The following is an entry in ClinVar:

ClinVar aggregate classification (germline): Pathogenic (1 of 4 stars; one submission).

Submission:

GeneDx
Classification: Pathogenic. Last evaluated: 2026-01-05. Review status: criteria provided, single submitter. Criteria: GeneDx Variant Classification Process June 2021. Collection method: clinical testing. Allele origin: germline. Affected: yes.
Comment: Nonsense variant predicted to result in protein truncation or nonsense mediated decay in a gene for which loss of function is a known mechanism of disease; Not observed at significant frequency in large population cohorts (gnomAD); This variant is associated with the following publications: (PMID: 27648933)

NM_001429.4(EP300):c.256C>T (p.Arg86Ter)

Gene: EP300 (EP300 lysine acetyltransferase; plus strand). Cytogenetic location: 22q13.2.
Variant type: single nucleotide variant.
Coding change: c.256C>T on transcript NM_001429.4 (MANE Select); coding-DNA position 256, C replaced by T.
Protein change: p.Arg86Ter; replaces arginine 86 with a stop codon.
Molecular consequence: nonsense.
Genome position (GRCh38, 1-based): chr22:41,117,348, C>T. VCF-style: chr22-41117348-C-T. GRCh37 (hg19) VCF-style: chr22-41513352-C-T.
Other names: c.256C>T, p.Arg86Ter (NM_001362843.2); short protein forms R86*.
Identifiers: ClinVar variation 817520 (VCV000817520.2), dbSNP rs1601598122, ClinGen allele CA411680077.